The following is an entry in ClinVar:

NM_001130004.2(ACTN1):c.993G>A (p.Lys331=)

Gene: ACTN1 (actinin alpha 1; minus strand). Cytogenetic location: 14q24.1.
Variant type: single nucleotide variant.
Coding change: c.993G>A on transcript NM_001130004.2 (MANE Select); coding-DNA position 993, G replaced by A.
Protein change: p.Lys331=; no amino-acid change (lysine 331 retained).
Molecular consequence: synonymous variant.
Genome position (GRCh38, 1-based): chr14:68,892,146, C>T on the plus strand (G>A on the coding strand, the complement: ACTN1 is on the minus strand). VCF-style: chr14-68892146-C-T. GRCh37 (hg19) VCF-style: chr14-69358863-C-T.
Other names: p.Lys331=; c.993G>A, p.Lys331= (NM_001102.4, NM_001130005.2).
Identifiers: ClinVar variation 789812 (VCV000789812.11), dbSNP rs10133712, ClinGen allele CA7242492.

ClinVar aggregate classification (germline): Benign. Review status: criteria provided, multiple submitters, no conflicts (2 of 4 stars). 3 submissions from 3 submitters: Benign (3). Last evaluated 2026-02-04.

Allele frequency attached by ClinVar (database versions not stated): gnomAD exomes 0.00101 and 0.00274; ExAC 0.00378; gnomAD 0.01084 and 0.01163; TOPMed 0.01244; ESP Exome Variant Server 0.01276; 1000 Genomes Project 0.01318; 1000 Genomes Project 30x 0.01343.
gnomAD v4.1: 3,169 of 1,614,100 alleles (0.2%); highest among the groups gnomAD compares: African/African-American, 3.8%; 60 homozygotes.

Submissions (3):

Labcorp Genetics (formerly Invitae), Labcorp
Classification: Benign. Last evaluated: 2026-02-04. Review status: criteria provided, single submitter. Criteria: Invitae Variant Classification Sherloc (09022015). Collection method: clinical testing. Allele origin: germline.

Mayo Clinic Laboratories, Mayo Clinic
Classification: Benign. Last evaluated: 2024-01-23. Review status: criteria provided, single submitter. Criteria: ACMG Guidelines, 2015. Collection method: clinical testing. Allele origin: germline. Observed: 3 variant alleles.
Comment: BS1, BS2, BP4, BP6

Breakthrough Genomics
Classification: Benign. Review status: criteria provided, single submitter. Criteria: ACMG Guidelines, 2015. Collection method: not provided. Allele origin: germline. Inheritance: Autosomal dominant inheritance. Affected: yes.